The following is an entry in ClinVar:

NM_005559.4(LAMA1):c.6466T>A (p.Phe2156Ile)

Gene: LAMA1 (laminin subunit alpha 1; minus strand). Cytogenetic location: 18p11.31.
Variant type: single nucleotide variant.
Coding change: c.6466T>A on transcript NM_005559.4 (MANE Select); coding-DNA position 6466, T replaced by A.
Protein change: p.Phe2156Ile; replaces phenylalanine 2156 with isoleucine.
Molecular consequence: missense variant.
Genome position (GRCh38, 1-based): chr18:6,975,960, A>T on the plus strand (T>A on the coding strand, the complement: LAMA1 is on the minus strand). VCF-style: chr18-6975960-A-T. GRCh37 (hg19) VCF-style: chr18-6975959-A-T.
Other names: short protein forms F2156I.
Identifiers: ClinVar variation 4740813 (VCV004740813.1).
Genomic context (GRCh38, chr18:6,975,960, plus strand): 5'-AAGATTCAGTGTCGCTTTCCAAAGGTCCATAACTTACAGCGGTGCTGCTACCGAGGTAGA[A>T]GAGAAGATTATCGGGTTCCTGTGTCTTAACATTTAGTGTTAAGGTATTGTAGTTGGTAGA-3'
Protein context (NP_005550.2, residues 2146-2166): VKTQEPDNLL[Phe2156Ile]YLGSSTASDF

ClinVar aggregate classification (germline): Uncertain significance (1 of 4 stars; one submission).

Submission:

Labcorp Genetics (formerly Invitae), Labcorp
Classification: Uncertain significance. Last evaluated: 2025-06-16. Review status: criteria provided, single submitter. Criteria: Invitae Variant Classification Sherloc (09022015). Collection method: clinical testing. Allele origin: germline.
Comment: This sequence change replaces phenylalanine, which is neutral and non-polar, with isoleucine, which is neutral and non-polar, at codon 2156 of the LAMA1 protein (p.Phe2156Ile). This variant is not present in population databases (gnomAD no frequency). This variant has not been reported in the literature in individuals affected with LAMA1-related conditions. Invitae Evidence Modeling of protein sequence and biophysical properties (such as structural, functional, and spatial information, amino acid conservation, physicochemical variation, residue mobility, and thermodynamic stability) indicates that this missense variant is expected to disrupt LAMA1 protein function with a positive predictive value of 80%. In summary, the available evidence is currently insufficient to determine the role of this variant in disease. Therefore, it has been classified as a Variant of Uncertain Significance.